The following is an entry in ClinVar:

NM_003482.4(KMT2D):c.11380C>T (p.Pro3794Ser)

Gene: KMT2D (lysine methyltransferase 2D; minus strand). Cytogenetic location: 12q13.12.
Variant type: single nucleotide variant.
Coding change: c.11380C>T on transcript NM_003482.4 (MANE Select); coding-DNA position 11380, C replaced by T.
Protein change: p.Pro3794Ser; replaces proline 3794 with serine.
Molecular consequence: missense variant.
Genome position (GRCh38, 1-based): chr12:49,033,325, G>A on the plus strand (C>T on the coding strand, the complement: KMT2D is on the minus strand). VCF-style: chr12-49033325-G-A. GRCh37 (hg19) VCF-style: chr12-49427108-G-A.
Other names: short protein forms P3794S.
Identifiers: ClinVar variation 309028 (VCV000309028.47), dbSNP rs113997424, ClinGen allele CA6546320.

ClinVar aggregate classification (germline): Benign/Likely benign. Review status: criteria provided, multiple submitters, no conflicts (2 of 4 stars). 9 submissions from 9 submitters: Benign (2); Likely benign (5). 2 of the submissions do not count toward it. Last evaluated 2026-09-01.

Conditions:
Kabuki syndrome. Also called: Kabuki make-up syndrome; NIIKAWA-KUROKI SYNDROME. Identifiers: Orphanet 2322, MedGen C0796004, MONDO:0016512.
Inborn genetic diseases. Identifiers: MedGen C0950123, MeSH D030342.

Allele frequency attached by ClinVar (database versions not stated): 1000 Genomes Project 0.00040; 1000 Genomes Project 30x 0.00047; gnomAD exomes 0.00063 and 0.00071; ESP Exome Variant Server 0.00066; gnomAD 0.00066 and 0.00068; TOPMed 0.00074; ExAC 0.00143.

Submissions (9):

CeGaT Center for Human Genetics Tuebingen
Classification: Likely benign. Last evaluated: 2026-09-01. Review status: criteria provided, single submitter. Criteria: CeGaT Center For Human Genetics Tuebingen Variant Classification Criteria Version 2. Collection method: clinical testing. Allele origin: germline. Affected: yes. Observed: 6 variant alleles.
Comment: KMT2D: BP4, BS1

Labcorp Genetics (formerly Invitae), Labcorp
Classification: Likely benign for Kabuki syndrome. Last evaluated: 2026-01-26. Review status: criteria provided, single submitter. Criteria: Invitae Variant Classification Sherloc (09022015). Collection method: clinical testing. Allele origin: germline.

Ambry Genetics
Classification: Likely benign for Inborn genetic diseases. Last evaluated: 2024-12-11. Review status: criteria provided, single submitter. Criteria: Ambry Variant Classification Scheme 2023. Collection method: clinical testing. Allele origin: germline.

Blueprint Genetics
Classification: Likely benign. Last evaluated: 2024-09-03. Review status: criteria provided, single submitter. Criteria: ACMG Guidelines, 2015. Collection method: clinical testing. Allele origin: germline.

GeneDx
Classification: Benign. Last evaluated: 2020-06-26. Review status: criteria provided, single submitter. Criteria: GeneDx Variant Classification Process June 2021. Collection method: clinical testing. Allele origin: germline. Affected: yes.
Comment: This variant is associated with the following publications: (PMID: 29593475, 30107592)

Eurofins Ntd Llc (ga)
Classification: Benign. Last evaluated: 2017-03-23. Review status: criteria provided, single submitter. Criteria: EGL Classification Definitions 2015. Collection method: clinical testing. Allele origin: germline. Observed: 1 variant allele, 1 heterozygote.

Breakthrough Genomics
Classification: Likely benign. Review status: criteria provided, single submitter. Criteria: ACMG Guidelines, 2015. Collection method: not provided. Allele origin: germline. Inheritance: Autosomal dominant inheritance. Affected: yes.

Clinical Genetics DNA and cytogenetics Diagnostics Lab, Erasmus MC, Erasmus Medical Center
Classification: Likely benign. Review status: no assertion criteria provided. Collection method: clinical testing. Allele origin: germline. Affected: yes. Study: VKGL Data-share Consensus. Not counted in ClinVar's aggregate classification.

Joint Genome Diagnostic Labs from Nijmegen and Maastricht, Radboudumc and MUMC+
Classification: Benign. Review status: no assertion criteria provided. Collection method: clinical testing. Allele origin: germline. Affected: yes. Study: VKGL Data-share Consensus. Not counted in ClinVar's aggregate classification.